The following is an entry in ClinVar:

NM_001130021.3(ATP6V0A1):c.1225G>T (p.Asp409Tyr)

Gene: ATP6V0A1 (ATPase H+ transporting V0 subunit a1; plus strand). Cytogenetic location: 17q21.2.
Variant type: single nucleotide variant.
Coding change: c.1225G>T on transcript NM_001130021.3 (MANE Select); coding-DNA position 1225, G replaced by T.
Protein change: p.Asp409Tyr; replaces aspartic acid 409 with tyrosine.
Molecular consequence: missense variant.
Genome position (GRCh38, 1-based): chr17:42,494,384, G>T. VCF-style: chr17-42494384-G-T. GRCh37 (hg19) VCF-style: chr17-40646402-G-T.
Other names: c.1246G>T, p.Asp416Tyr (NM_001130020.3, NM_001378522.1, NM_001378523.1 and 3 more transcripts); c.1348G>T, p.Asp450Tyr (NM_001378530.1, NM_001378533.1, NM_001378551.1 and 1 more transcripts); c.1369G>T, p.Asp457Tyr (NM_001378531.1, NM_001378532.1); c.1225G>T, p.Asp409Tyr (NM_001378535.1, NM_001378537.1, NM_001378542.1 and 4 more transcripts); c.1117G>T, p.Asp373Tyr (NM_001378536.1, NM_001378550.1, NM_001378556.1); c.1096G>T, p.Asp366Tyr (NM_001378538.1, NM_001378540.1); c.1066G>T, p.Asp356Tyr (NM_001378543.1); c.1015G>T, p.Asp339Tyr (NM_001378545.1, NM_001378554.1); and 2 more; short protein forms D338Y, D339Y, D349Y, D356Y, D366Y, D373Y, D409Y, D416Y.
Identifiers: ClinVar variation 4531654 (VCV004531654.1).
Genomic context (GRCh38, chr17:42,494,384, plus strand): 5'-TTCTTCATAGCTCCGTATACTATTATCACGTTCCCTTTTCTATTTGCTGTGATGTTTGGA[G>T]ACTTCGGTCATGGCATTTTAATGACCCTTTTTGCTGTGTGGATGGTACTGAGGGAGAGCC-3'
Protein context (NP_001123493.1, residues 399-419): FPFLFAVMFG[Asp409Tyr]FGHGILMTLF

ClinVar aggregate classification (germline): Uncertain significance (1 of 4 stars; one submission).

Conditions:
Developmental and epileptic encephalopathy 104 (DEE104). Identifiers: MedGen C5774183, MONDO:0031021, OMIM 619970.

Submission:

Victorian Clinical Genetics Services, Murdoch Childrens Research Institute
Classification: Uncertain significance for Developmental and epileptic encephalopathy 104. Last evaluated: 2025-10-24. Review status: criteria provided, single submitter. Criteria: ACMG Guidelines, 2015. Collection method: clinical testing. Allele origin: germline. Affected: yes.
Comment: This variant is classified as VUS-3A. Evidence in support of pathogenic classification: Variant is absent from gnomAD (v2, v3 and v4); Missense variant predicted to be damaging by in silico tool(s) or highly conserved with a major amino acid change. Additional information: Variant is predicted to result in a missense amino acid change from Asp to Tyr; This variant is heterozygous; This gene is associated with both recessive and dominant disease. Developmental and epileptic encephalopathy 104 (MIM#619970) is associated with autosomal dominant inheritance whilst neurodevelopmental disorder with epilepsy and brain atrophy (MIM#619971) is associated with autosomal recessive inheritance; Alternative amino acid change(s) at the same position are present in gnomAD (v4: 1 heterozygote(s), 0 homozygote(s)). - This variant has no previous evidence of pathogenicity; No published evidence of segregation with disease has been identified for this variant; No published functional evidence has been identified for this variant; No comparable missense variants have previous evidence for pathogenicity; Variant is located in the linker region between transmembrane regions that forms a luminal half channel which facilitates proton transfer (PMIDs: 21832060, 32001091); Loss of function is a known mechanism of disease in this gene and is associated with neurodevelopmental disorder with epilepsy and brain atrophy (MIM#619971). Dominant negative mechanism has been suggested as a mechanism for developmental and epileptic encephalopathy 104 (MIM#619970); however, this has not been proven (PMIDs: 34909687, 33833240); Inheritance information for this variant is not currently available in this individual.

Literature cited by the submitters: PubMed 34909687; PubMed 33833240; PubMed 21832060; PubMed 32001091.